The following is an entry in ClinVar:

ClinVar aggregate classification (germline): Benign/Likely benign. Review status: criteria provided, multiple submitters, no conflicts (2 of 4 stars). 5 submissions from 5 submitters: Benign (1); Likely benign (4). Last evaluated 2026-01-28.

Conditions:
Nephronophthisis. Also called: Juvenile Nephronophthisis. Identifiers: Orphanet 655, MedGen C0687120, MONDO:0019005, HP:0000090.

Allele frequency attached by ClinVar (database versions not stated): gnomAD 0.00089; TOPMed 0.00108; 1000 Genomes Project 30x 0.00109; 1000 Genomes Project 0.00120; ESP Exome Variant Server 0.00146.
gnomAD v4.1: 436 of 1,437,666 alleles (0.03%); highest among the groups gnomAD compares: African/African-American, 0.33%; 2 homozygotes.

Submissions (5):

Labcorp Genetics (formerly Invitae), Labcorp
Classification: Benign for Nephronophthisis. Last evaluated: 2026-01-28. Review status: criteria provided, single submitter. Criteria: Invitae Variant Classification Sherloc (09022015). Collection method: clinical testing. Allele origin: germline.

Mayo Clinic Laboratories, Mayo Clinic
Classification: Likely benign. Last evaluated: 2025-08-27. Review status: criteria provided, single submitter. Criteria: ACMG Guidelines, 2015. Collection method: clinical testing. Allele origin: germline. Observed: 1 variant allele.
Comment: BS1, BP4, BP7

Blueprint Genetics
Classification: Likely benign. Last evaluated: 2024-06-18. Review status: criteria provided, single submitter. Criteria: ACMG Guidelines, 2015. Collection method: clinical testing. Allele origin: germline.

Eurofins Ntd Llc (ga)
Classification: Likely benign. Last evaluated: 2018-02-05. Review status: criteria provided, single submitter. Criteria: EGL Classification Definitions 2015. Collection method: clinical testing. Allele origin: germline. Observed: 10 variant alleles, 10 heterozygotes.

PreventionGenetics, part of Exact Sciences
Classification: Likely benign. Review status: criteria provided, single submitter. Criteria: ACMG Guidelines, 2015. Collection method: clinical testing. Allele origin: germline.

NM_001128178.3(NPHP1):c.1269+9G>A

Gene: NPHP1 (nephrocystin 1; minus strand). Cytogenetic location: 2q13.
Variant type: single nucleotide variant.
Coding change: c.1269+9G>A on transcript NM_001128178.3 (MANE Select); 9 bases into the intron after coding-DNA position 1269, G replaced by A.
Molecular consequence: intron variant.
Genome position (GRCh38, 1-based): chr2:110,147,907, C>T on the plus strand (G>A on the coding strand, the complement: NPHP1 is on the minus strand). VCF-style: chr2-110147907-C-T. GRCh37 (hg19) VCF-style: chr2-110905484-C-T.
Other names: p.?; c.1080+9G>A (NM_001128179.3); c.1266+9G>A (NM_001374256.1); c.1269+9G>A (NM_001374257.1); c.1434+9G>A (NM_207181.4); c.1437+9G>A (NM_000272.5, NM_000272.4).
Identifiers: ClinVar variation 255706 (VCV000255706.17), dbSNP rs13414551, ClinGen allele CA1827085.